The following is an entry in ClinVar:

NM_152594.3(SPRED1):c.232A>G (p.Lys78Glu)

Gene: SPRED1 (sprouty related EVH1 domain containing 1; plus strand). Cytogenetic location: 15q14.
Variant type: single nucleotide variant.
Coding change: c.232A>G on transcript NM_152594.3 (MANE Select); coding-DNA position 232, A replaced by G.
Protein change: p.Lys78Glu; replaces lysine 78 with glutamic acid.
Molecular consequence: missense variant.
Genome position (GRCh38, 1-based): chr15:38,322,265, A>G. VCF-style: chr15-38322265-A-G. GRCh37 (hg19) VCF-style: chr15-38614466-A-G.
Other names: short protein forms K78E.
Identifiers: ClinVar variation 1382182 (VCV001382182.6), dbSNP rs2140994773, ClinGen allele CA391931932.

ClinVar aggregate classification (germline): Uncertain significance (1 of 4 stars; one submission).

Conditions:
Legius syndrome. Identifiers: Orphanet 137605, MedGen C1969623, MONDO:0012669, OMIM 611431. Disease mechanism: loss of function.

Allele frequency attached by ClinVar (database versions not stated): gnomAD exomes below 0.00001.
gnomAD v4.1: 1 of 1,613,874 alleles (0.000062%); highest among the groups gnomAD compares: Non-Finnish European, 0.000085%; no homozygotes.

Submission:

Labcorp Genetics (formerly Invitae), Labcorp
Classification: Uncertain significance for Legius syndrome. Last evaluated: 2021-09-19. Review status: criteria provided, single submitter. Criteria: Invitae Variant Classification Sherloc (09022015). Collection method: clinical testing. Allele origin: germline.
Comment: In summary, the available evidence is currently insufficient to determine the role of this variant in disease. Therefore, it has been classified as a Variant of Uncertain Significance. Algorithms developed to predict the effect of missense changes on protein structure and function are either unavailable or do not agree on the potential impact of this missense change (SIFT: "Deleterious"; PolyPhen-2: "Possibly Damaging"; Align-GVGD: "Class C15"). This variant has not been reported in the literature in individuals affected with SPRED1-related conditions. This variant is not present in population databases (ExAC no frequency). This sequence change replaces lysine with glutamic acid at codon 78 of the SPRED1 protein (p.Lys78Glu). The lysine residue is moderately conserved and there is a small physicochemical difference between lysine and glutamic acid.